The following is an entry in ClinVar:

NM_203447.4(DOCK8):c.5556C>G (p.Asp1852Glu)

Gene: DOCK8 (dedicator of cytokinesis 8; plus strand). Cytogenetic location: 9p24.3.
Variant type: single nucleotide variant.
Coding change: c.5556C>G on transcript NM_203447.4 (MANE Select); coding-DNA position 5556, C replaced by G.
Protein change: p.Asp1852Glu; replaces aspartic acid 1852 with glutamic acid.
Molecular consequence: missense variant.
Genome position (GRCh38, 1-based): chr9:443,492, C>G. VCF-style: chr9-443492-C-G. GRCh37 (hg19) VCF-style: chr9-443492-C-G.
Other names: c.5256C>G, p.Asp1752Glu (NM_001190458.2); c.5352C>G, p.Asp1784Glu (NM_001193536.2); short protein forms D1752E, D1852E, D1784E.
Identifiers: ClinVar variation 2122198 (VCV002122198.5), dbSNP rs1456788934, ClinGen allele CA372768695.

ClinVar aggregate classification (germline): Uncertain significance. Review status: criteria provided, multiple submitters, no conflicts (2 of 4 stars). 2 submissions from 2 submitters: Uncertain significance (2). Last evaluated 2024-10-16.

Conditions:
Inborn genetic diseases. Identifiers: MedGen C0950123, MeSH D030342.
Combined immunodeficiency due to DOCK8 deficiency (HIES2). Also called: HIES autosomal recessive; DOCK8 Deficiency; Hyper-IgE recurrent infection syndrome, autosomal recessive; HYPER-IgE SYNDROME 2, AUTOSOMAL RECESSIVE, WITH RECURRENT INFECTIONS; HYPER-IgE RECURRENT INFECTION SYNDROME 2, AUTOSOMAL RECESSIVE. Identifiers: Orphanet 217390, MedGen C4722305, MONDO:0009478, OMIM 243700.

Submissions (2):

Labcorp Genetics (formerly Invitae), Labcorp
Classification: Uncertain significance for Combined immunodeficiency due to DOCK8 deficiency. Last evaluated: 2024-10-16. Review status: criteria provided, single submitter. Criteria: Invitae Variant Classification Sherloc (09022015). Collection method: clinical testing. Allele origin: germline.
Comment: This sequence change replaces aspartic acid, which is acidic and polar, with glutamic acid, which is acidic and polar, at codon 1852 of the DOCK8 protein (p.Asp1852Glu). This variant is not present in population databases (gnomAD no frequency). This variant has not been reported in the literature in individuals affected with DOCK8-related conditions. ClinVar contains an entry for this variant (Variation ID: 2122198). Invitae Evidence Modeling of protein sequence and biophysical properties (such as structural, functional, and spatial information, amino acid conservation, physicochemical variation, residue mobility, and thermodynamic stability) indicates that this missense variant is not expected to disrupt DOCK8 protein function with a negative predictive value of 80%. In summary, the available evidence is currently insufficient to determine the role of this variant in disease. Therefore, it has been classified as a Variant of Uncertain Significance.

Ambry Genetics
Classification: Uncertain significance for Inborn genetic diseases. Last evaluated: 2024-03-20. Review status: criteria provided, single submitter. Criteria: Ambry Variant Classification Scheme 2023. Collection method: clinical testing. Allele origin: germline.